The following is an entry in ClinVar:

NM_001458.5(FLNC):c.3957C>G (p.Tyr1319Ter)

Gene: FLNC (filamin C; plus strand). Cytogenetic location: 7q32.1.
Variant type: single nucleotide variant.
Coding change: c.3957C>G on transcript NM_001458.5 (MANE Select); coding-DNA position 3957, C replaced by G.
Protein change: p.Tyr1319Ter; replaces tyrosine 1319 with a stop codon.
Molecular consequence: nonsense.
Genome position (GRCh38, 1-based): chr7:128,846,156, C>G. VCF-style: chr7-128846156-C-G. GRCh37 (hg19) VCF-style: chr7-128486210-C-G.
Other names: p.Tyr1319*; c.3957C>G, p.Tyr1319Ter (NM_001127487.2); short protein forms Y1319*.
Identifiers: ClinVar variation 4541334 (VCV004541334.1).

ClinVar aggregate classification (germline): Likely pathogenic (1 of 4 stars; one submission).

Submission:

Mayo Clinic Laboratories, Mayo Clinic
Classification: Likely pathogenic. Last evaluated: 2025-06-19. Review status: criteria provided, single submitter. Criteria: ACMG Guidelines, 2015. Collection method: clinical testing. Allele origin: germline. Observed: 1 variant allele.
Comment: PM2_supporting, PVS1